The following is an entry in ClinVar:

NM_004998.4(MYO1E):c.420+4A>G

Gene: MYO1E (myosin IE; minus strand). Cytogenetic location: 15q22.2.
Variant type: single nucleotide variant.
Coding change: c.420+4A>G on transcript NM_004998.4 (MANE Select); 4 bases into the intron after coding-DNA position 420, A replaced by G.
Molecular consequence: intron variant.
Genome position (GRCh38, 1-based): chr15:59,236,581, T>C on the plus strand (A>G on the coding strand, the complement: MYO1E is on the minus strand). VCF-style: chr15-59236581-T-C. GRCh37 (hg19) VCF-style: chr15-59528780-T-C.
Identifiers: ClinVar variation 1475764 (VCV001475764.5), dbSNP rs368598676, ClinGen allele CA618188589.

ClinVar aggregate classification (germline): Uncertain significance. Review status: criteria provided, multiple submitters, no conflicts (2 of 4 stars). 2 submissions from 2 submitters: Uncertain significance (2). Last evaluated 2024-03-14.

Conditions:
Focal segmental glomerulosclerosis 6 (FSGS6). Identifiers: Orphanet 656, MedGen C3279905, MONDO:0013589, OMIM 614131.

Allele frequency attached by ClinVar (database versions not stated): gnomAD exomes 0.00001; TOPMed 0.00002; gnomAD 0.00003 and 0.00004.
gnomAD v4.1: 22 of 1,608,200 alleles (0.0014%); highest among the groups gnomAD compares: Non-Finnish European, 0.0018%; no homozygotes.

Submissions (2):

Fulgent Genetics
Classification: Uncertain significance for Focal segmental glomerulosclerosis 6. Last evaluated: 2024-03-14. Review status: criteria provided, single submitter. Criteria: ACMG Guidelines, 2015. Collection method: clinical testing. Allele origin: germline.

Labcorp Genetics (formerly Invitae), Labcorp
Classification: Uncertain significance. Last evaluated: 2021-01-04. Review status: criteria provided, single submitter. Criteria: Invitae Variant Classification Sherloc (09022015). Collection method: clinical testing. Allele origin: germline.
Comment: In summary, the available evidence is currently insufficient to determine the role of this variant in disease. Therefore, it has been classified as a Variant of Uncertain Significance. Nucleotide substitutions within the consensus splice site are a relatively common cause of aberrant splicing (PMID: 17576681, 9536098). Algorithms developed to predict the effect of sequence changes on RNA splicing suggest that this variant may disrupt the consensus splice site, but this prediction has not been confirmed by published transcriptional studies. This variant has not been reported in the literature in individuals with MYO1E-related conditions. This variant is not present in population databases (ExAC no frequency). This sequence change falls in intron 5 of the MYO1E gene. It does not directly change the encoded amino acid sequence of the MYO1E protein. It affects a nucleotide within the consensus splice site of the intron.

Literature cited by the submitters: PubMed 17576681 (cited by Labcorp Genetics (formerly Invitae), Labcorp); PubMed 9536098 (cited by Labcorp Genetics (formerly Invitae), Labcorp).